The following is an entry in ClinVar:

NM_014865.4(NCAPD2):c.3200C>T (p.Pro1067Leu)

Gene: NCAPD2 (non-SMC condensin I complex subunit D2; plus strand). Cytogenetic location: 12p13.31.
Variant type: single nucleotide variant.
Coding change: c.3200C>T on transcript NM_014865.4 (MANE Select); coding-DNA position 3200, C replaced by T.
Protein change: p.Pro1067Leu; replaces proline 1067 with leucine.
Molecular consequence: missense variant.
Genome position (GRCh38, 1-based): chr12:6,528,229, C>T. VCF-style: chr12-6528229-C-T. GRCh37 (hg19) VCF-style: chr12-6637395-C-T.
Other names: short protein forms P1067L.
Identifiers: ClinVar variation 4887372 (VCV004887372.1).
Genomic context (GRCh38, chr12:6,528,229, plus strand): 5'-TTAGTGCCACTTTCTGCGACTCCCAGCTTCGTCTTCTGTTCACCATGCTGGAAAAGTCTC[C>T]ACTTCCCATTGTCCGGTCTAACCTCATGGTTGCCACTGGGGATCTGGCCATCCGCTTTCC-3'
Protein context (NP_055680.3, residues 1057-1077): RLLFTMLEKS[Pro1067Leu]LPIVRSNLMV

ClinVar aggregate classification (germline): Uncertain significance (1 of 4 stars; one submission).

gnomAD v4.1: 11 of 1,614,024 alleles (0.00068%); highest among the groups gnomAD compares: African/African-American, 0.012%; no homozygotes.

Submission:

Women's Health and Genetics/Laboratory Corporation of America, LabCorp
Classification: Uncertain significance. Last evaluated: 2026-06-10. Review status: criteria provided, single submitter. Criteria: LabCorp Variant Classification Summary - May 2015. Collection method: clinical testing. Allele origin: germline.
Comment: Variant summary: NCAPD2 c.3200C>T (p.Pro1067Leu) results in a non-conservative amino acid change in the encoded protein sequence. Algorithms developed to predict the effect of missense changes on protein structure and function are either unavailable or do not agree on the potential impact of this missense change. The variant allele was found at a frequency of 8e-06 in 249398 control chromosomes. The available data on variant occurrences in the general population are insufficient to allow any conclusion about variant significance. To our knowledge, no occurrence of c.3200C>T in individuals affected with NCAPD2-related conditions and no experimental evidence demonstrating its impact on protein function have been reported. No submitters have cited clinical-significance assessments for this variant to ClinVar. Based on the evidence outlined above, the variant was classified as uncertain significance.